The following is an entry in ClinVar:

ClinVar aggregate classification (germline): Uncertain significance (1 of 4 stars; one submission).

Submission:

GeneDx
Classification: Uncertain significance. Last evaluated: 2022-09-25. Review status: criteria provided, single submitter. Criteria: GeneDx Variant Classification Process June 2021. Collection method: clinical testing. Allele origin: germline. Affected: yes.
Comment: Not observed at significant frequency in large population cohorts (gnomAD); In silico analysis supports that this missense variant does not alter protein structure/function; Has not been previously published as pathogenic or benign to our knowledge

NM_001009944.3(PKD1):c.5329C>T (p.His1777Tyr)

Gene: PKD1 (polycystin 1, transient receptor potential channel interacting; minus strand). Cytogenetic location: 16p13.3.
Variant type: single nucleotide variant.
Coding change: c.5329C>T on transcript NM_001009944.3 (MANE Select); coding-DNA position 5329, C replaced by T.
Protein change: p.His1777Tyr; replaces histidine 1777 with tyrosine.
Molecular consequence: missense variant.
Genome position (GRCh38, 1-based): chr16:2,109,838, G>A on the plus strand (C>T on the coding strand, the complement: PKD1 is on the minus strand). VCF-style: chr16-2109838-G-A. GRCh37 (hg19) VCF-style: chr16-2159839-G-A.
Other names: c.5329C>T, p.His1777Tyr (NM_000296.4); short protein forms H1777Y.
Identifiers: ClinVar variation 2446198 (VCV002446198.1), dbSNP rs2092454105, ClinGen allele CA394377473.